The following is an entry in ClinVar:

ClinVar aggregate classification (germline): Pathogenic (1 of 4 stars; one submission).

Conditions:
Developmental delay with variable intellectual impairment and behavioral abnormalities. Identifiers: MedGen C5193092, MONDO:0032745, OMIM 618430.

Submission:

Victorian Clinical Genetics Services, Murdoch Childrens Research Institute
Classification: Pathogenic for Developmental delay with variable intellectual impairment and behavioral abnormalities. Last evaluated: 2024-10-10. Review status: criteria provided, single submitter. Criteria: ACMG Guidelines, 2015. Collection method: clinical testing. Allele origin: germline. Inheritance: Autosomal dominant inheritance. Affected: yes.
Comment: Based on the classification scheme VCGS_Germline_v1.3.5, this variant is classified as Pathogenic. Following criteria are met: 0102 - Loss of function is a known mechanism of disease in this gene and is associated with developmental delay with variable intellectual impairment and behavioural abnormalities (MIM#618430). (I) 0107 - This gene is associated with autosomal dominant disease. (I) 0201 - Variant is predicted to cause nonsense-mediated decay (NMD) and loss of protein (premature termination codon is located at least 54 nucleotides upstream of the final exon-exon junction). (SP) 0251 - This variant is heterozygous. (I) 0301 - Variant is absent from gnomAD (v2, v3 and v4). (SP) 0701 - Other NMD-predicted variants comparable to the one identified in this case have very strong previous evidence for pathogenicity (DECIPHER). (SP) 0807 - This variant has no previous evidence of pathogenicity. (I) 0905 - No published segregation evidence has been identified for this variant. (I) 1007 - No published functional evidence has been identified for this variant. (SP) Legend: (SP) - Supporting pathogenic, (I) - Information, (SB) - Supporting benign

NM_001378418.1(TCF20):c.2980dup (p.Arg994fs)

Gene: TCF20 (transcription factor 20; minus strand). Cytogenetic location: 22q13.2.
Variant type: Duplication.
Coding change: c.2980dup on transcript NM_001378418.1 (MANE Select); coding-DNA position 2980, one base duplicated (A; older notation c.2980dupA).
Protein change: p.Arg994fs; shifts the reading frame from arginine 994.
Molecular consequence: frameshift variant.
Genome position (GRCh38, 1-based): chr22:42,212,326, T duplicated on the plus strand (A on the coding strand, the reverse complement: TCF20 is on the minus strand). VCF-style (leftmost placement, unchanged base first): chr22-42212325-C-CT. GRCh37 (hg19) VCF-style: chr22-42608331-C-CT.
Other names: c.2980dup, p.Arg994fs (NM_005650.4, NM_181492.3); short protein forms R994fs.
Identifiers: ClinVar variation 3377303 (VCV003377303.1).